The following is an entry in ClinVar:

ClinVar aggregate classification (germline): Uncertain significance (1 of 4 stars; one submission).

Allele frequency attached by ClinVar (database versions not stated): gnomAD exomes below 0.00001.
gnomAD v4.1: 2 of 1,598,374 alleles (0.00013%); highest among the groups gnomAD compares: Non-Finnish European, 0.00017%; no homozygotes.

Submission:

Labcorp Genetics (formerly Invitae), Labcorp
Classification: Uncertain significance. Last evaluated: 2022-04-01. Review status: criteria provided, single submitter. Criteria: Invitae Variant Classification Sherloc (09022015). Collection method: clinical testing. Allele origin: germline.
Comment: This sequence change replaces phenylalanine, which is neutral and non-polar, with leucine, which is neutral and non-polar, at codon 310 of the CNGB3 protein (p.Phe310Leu). In summary, the available evidence is currently insufficient to determine the role of this variant in disease. Therefore, it has been classified as a Variant of Uncertain Significance. Algorithms developed to predict the effect of sequence changes on RNA splicing suggest that this variant may create or strengthen a splice site. Advanced modeling of protein sequence and biophysical properties (such as structural, functional, and spatial information, amino acid conservation, physicochemical variation, residue mobility, and thermodynamic stability) performed at Invitae indicates that this missense variant is not expected to disrupt CNGB3 protein function. This variant has not been reported in the literature in individuals affected with CNGB3-related conditions. This variant is not present in population databases (gnomAD no frequency).

NM_019098.5(CNGB3):c.930T>G (p.Phe310Leu)

Gene: CNGB3 (cyclic nucleotide gated channel subunit beta 3; minus strand). Cytogenetic location: 8q21.3.
Variant type: single nucleotide variant.
Coding change: c.930T>G on transcript NM_019098.5 (MANE Select); coding-DNA position 930, T replaced by G.
Protein change: p.Phe310Leu; replaces phenylalanine 310 with leucine.
Molecular consequence: missense variant.
Genome position (GRCh38, 1-based): chr8:86,647,861, A>C on the plus strand (T>G on the coding strand, the complement: CNGB3 is on the minus strand). VCF-style: chr8-86647861-A-C. GRCh37 (hg19) VCF-style: chr8-87660089-A-C.
Other names: short protein forms F310L.
Identifiers: ClinVar variation 2089942 (VCV002089942.4), dbSNP rs2538102328, ClinGen allele CA371448264.